The following is an entry in ClinVar:

ClinVar aggregate classification (germline): Uncertain significance. Review status: criteria provided, multiple submitters, no conflicts (2 of 4 stars). 2 submissions from 2 submitters: Uncertain significance (2). Last evaluated 2024-11-01.

Conditions:
Fetal akinesia deformation sequence 1 (FADS1). Also called: Fetal akinesia sequence; Pena-Shokeir syndrome type I. Identifiers: Orphanet 994, MedGen C1276035, MONDO:0100101, OMIM 208150, HP:0001989.
Congenital myasthenic syndrome 10. Also called: Myasthenia, limb-girdle, familial. Identifiers: Orphanet 590, MedGen C1850792, MONDO:0009690, OMIM 254300.

Allele frequency attached by ClinVar (database versions not stated): gnomAD exomes below 0.00001.
gnomAD v4.1: 4 of 1,606,070 alleles (0.00025%); highest among the groups gnomAD compares: African/African-American, 0.004%; no homozygotes.

Submissions (2):

Labcorp Genetics (formerly Invitae), Labcorp
Classification: Uncertain significance for Congenital myasthenic syndrome 10; Fetal akinesia deformation sequence 1. Last evaluated: 2024-11-01. Review status: criteria provided, single submitter. Criteria: Invitae Variant Classification Sherloc (09022015). Collection method: clinical testing. Allele origin: germline.
Comment: This sequence change replaces glycine, which is neutral and non-polar, with glutamic acid, which is acidic and polar, at codon 391 of the DOK7 protein (p.Gly391Glu). This variant is present in population databases (rs753513427, gnomAD 0.005%). This variant has not been reported in the literature in individuals affected with DOK7-related conditions. ClinVar contains an entry for this variant (Variation ID: 1517284). Invitae Evidence Modeling of protein sequence and biophysical properties (such as structural, functional, and spatial information, amino acid conservation, physicochemical variation, residue mobility, and thermodynamic stability) indicates that this missense variant is not expected to disrupt DOK7 protein function with a negative predictive value of 80%. In summary, the available evidence is currently insufficient to determine the role of this variant in disease. Therefore, it has been classified as a Variant of Uncertain Significance.

Revvity Omics, Revvity
Classification: Uncertain significance. Last evaluated: 2020-12-22. Review status: criteria provided, single submitter. Criteria: ACMG Guidelines, 2015. Collection method: clinical testing. Allele origin: germline.

NM_173660.5(DOK7):c.1172G>A (p.Gly391Glu)

Gene: DOK7 (docking protein 7; plus strand). Cytogenetic location: 4p16.3.
Variant type: single nucleotide variant.
Coding change: c.1172G>A on transcript NM_173660.5 (MANE Select); coding-DNA position 1172, G replaced by A.
Protein change: p.Gly391Glu; replaces glycine 391 with glutamic acid.
Molecular consequence: missense variant. On other transcripts: 3 prime UTR variant (1).
Genome position (GRCh38, 1-based): chr4:3,493,158, G>A. VCF-style: chr4-3493158-G-A. GRCh37 (hg19) VCF-style: chr4-3494885-G-A.
Other names: c.*393G>A (NM_001164673.2); c.242G>A, p.Gly81Glu (NM_001256896.2); c.1172G>A, p.Gly391Glu (NM_001301071.2); c.740G>A, p.Gly247Glu (NM_001363811.2); c.1172G>A (NM_173660.4); short protein forms G391E, G247E, G81E.
Identifiers: ClinVar variation 1517284 (VCV001517284.7), dbSNP rs753513427, ClinGen allele CA2829395.